The following is an entry in ClinVar:

ClinVar aggregate classification (germline): Uncertain significance (1 of 4 stars; one submission).

Allele frequency attached by ClinVar (database versions not stated): gnomAD exomes below 0.00001.
gnomAD v4.1: 1 of 1,614,084 alleles (0.000062%); highest among the groups gnomAD compares: East Asian, 0.0022%; no homozygotes.

Submission:

Ambry Genetics
Classification: Uncertain significance. Last evaluated: 2022-04-01. Review status: criteria provided, single submitter. Criteria: Ambry Variant Classification Scheme 2023. Collection method: clinical testing. Allele origin: germline.
Comment: The p.L793M variant (also known as c.2377C>A), located in coding exon 15 of the POLQ gene, results from a C to A substitution at nucleotide position 2377. The leucine at codon 793 is replaced by methionine, an amino acid with highly similar properties. This amino acid position is conserved. In addition, the in silico prediction for this alteration is inconclusive. Since supporting evidence is limited at this time, the clinical significance of this alteration remains unclear.

NM_199420.4(POLQ):c.2377C>A (p.Leu793Met)

Gene: POLQ (DNA polymerase theta; minus strand). Cytogenetic location: 3q13.33.
Variant type: single nucleotide variant.
Coding change: c.2377C>A on transcript NM_199420.4 (MANE Select); coding-DNA position 2377, C replaced by A.
Protein change: p.Leu793Met; replaces leucine 793 with methionine.
Molecular consequence: missense variant.
Genome position (GRCh38, 1-based): chr3:121,493,623, G>T on the plus strand (C>A on the coding strand, the complement: POLQ is on the minus strand). VCF-style: chr3-121493623-G-T. GRCh37 (hg19) VCF-style: chr3-121212470-G-T.
Other names: short protein forms L793M.
Identifiers: ClinVar variation 1790374 (VCV001790374.2), dbSNP rs1413318355, ClinGen allele CA354108008.